The following is an entry in ClinVar:

NM_001369.3(DNAH5):c.12640C>T (p.Gln4214Ter)

Gene: DNAH5 (dynein axonemal heavy chain 5; minus strand). Cytogenetic location: 5p15.2.
Variant type: single nucleotide variant.
Coding change: c.12640C>T on transcript NM_001369.3 (MANE Select); coding-DNA position 12640, C replaced by T.
Protein change: p.Gln4214Ter; replaces glutamine 4214 with a stop codon.
Molecular consequence: nonsense.
Genome position (GRCh38, 1-based): chr5:13,717,380, G>A on the plus strand (C>T on the coding strand, the complement: DNAH5 is on the minus strand). VCF-style: chr5-13717380-G-A. GRCh37 (hg19) VCF-style: chr5-13717489-G-A.
Other names: short protein forms Q4214*.
Identifiers: ClinVar variation 3906968 (VCV003906968.2).

ClinVar aggregate classification (germline): Likely pathogenic (1 of 4 stars; one submission).

Conditions:
Primary ciliary dyskinesia 3. Identifiers: Orphanet 244, MedGen C1837618, MONDO:0012085, OMIM 608644.

Submission:

Juno Genomics, Hangzhou Juno Genomics, Inc
Classification: Likely pathogenic for Primary ciliary dyskinesia 3. Review status: criteria provided, single submitter. Criteria: ACMG Guidelines, 2015. Collection method: clinical testing. Allele origin: germline. Affected: yes.
Comment: Absent from controls (or at extremely low frequency if recessive) in Genome Aggregation Database, Exome Sequencing Project, 1000 Genomes Project, or Exome Aggregation Consortium.;Null variant in a gene where loss of function (LOF) is a known mechanism of disease.